The following is an entry in ClinVar:

ClinVar aggregate classification (germline): Uncertain significance (1 of 4 stars; one submission).

Conditions:
Inborn genetic diseases. Identifiers: MedGen C0950123, MeSH D030342.

gnomAD v4.1: 1 of 1,613,416 alleles (0.000062%); highest among the groups gnomAD compares: African/African-American, 0.0013%; no homozygotes.

Submission:

Ambry Genetics
Classification: Uncertain significance for Inborn genetic diseases. Last evaluated: 2025-10-16. Review status: criteria provided, single submitter. Criteria: Ambry Variant Classification Scheme 2023. Collection method: clinical testing. Allele origin: germline.
Comment: The p.V46M variant (also known as c.136G>A), located in coding exon 2 of the MBD4 gene, results from a G to A substitution at nucleotide position 136. The valine at codon 46 is replaced by methionine, an amino acid with highly similar properties. This amino acid position is conserved. In addition, this alteration is predicted to be tolerated by in silico analysis. Based on the available evidence, the clinical significance of this variant remains unclear.

NM_001276270.2(MBD4):c.136G>A (p.Val46Met)

Gene: MBD4 (methyl-CpG binding domain 4, DNA glycosylase; minus strand). Cytogenetic location: 3q21.3.
Variant type: single nucleotide variant.
Coding change: c.136G>A on transcript NM_001276270.2 (MANE Select); coding-DNA position 136, G replaced by A.
Protein change: p.Val46Met; replaces valine 46 with methionine.
Molecular consequence: missense variant.
Genome position (GRCh38, 1-based): chr3:129,437,919, C>T on the plus strand (G>A on the coding strand, the complement: MBD4 is on the minus strand). VCF-style: chr3-129437919-C-T. GRCh37 (hg19) VCF-style: chr3-129156762-C-T.
Other names: c.136G>A, p.Val46Met (NM_001276272.2, NM_001276273.2, NM_003925.3 and 1 more transcripts); short protein forms V46M.
Identifiers: ClinVar variation 4624405 (VCV004624405.1).
Genomic context (GRCh38, chr3:129,437,919, plus strand): 5'-GTAGCAAGGGATTACATTCACTGCTTCTTTTTATCATCATTTGTTCCTCATCTTCTCCCA[C>T]TCTTTCCAATTCCATAGCAACATCTTCTTTGCTGGAAAAACAAAGTCTAAGTGATTAACT-3'
Protein context (NP_001263199.1, residues 36-56): KEDVAMELER[Val46Met]GEDEEQMMIK